The following is an entry in ClinVar:

NM_005670.4(EPM2A):c.934dup (p.Arg312fs)

Gene: EPM2A (EPM2A glucan phosphatase, laforin; minus strand). Cytogenetic location: 6q24.3.
Variant type: Duplication.
Coding change: c.934dup on transcript NM_005670.4 (MANE Select); coding-DNA position 934, one base duplicated (C; older notation c.934dupC).
Protein change: p.Arg312fs; shifts the reading frame from arginine 312.
Molecular consequence: frameshift variant. On other transcripts: 3 prime UTR variant (1), non-coding transcript variant (1), intron variant (1).
Genome position (GRCh38, 1-based): chr6:145,627,478, G duplicated on the plus strand (C on the coding strand, the reverse complement: EPM2A is on the minus strand); the first of 3 consecutive G bases (chr6:145,627,478-145,627,480); duplicating any one gives the same sequence. VCF-style (leftmost placement, unchanged base first): chr6-145627477-C-CG. GRCh37 (hg19) VCF-style: chr6-145948613-C-CG.
Other names: c.*17dup (NM_001360057.2); c.520dup, p.Arg174fs (NM_001360064.2, NM_001360071.2, NM_001368131.1); c.472dup, p.Arg158fs (NM_001368129.2, NM_001368132.1); c.924+10dup (NM_001018041.2); short protein forms R158fs, R174fs, R312fs.
Identifiers: ClinVar variation 1454028 (VCV001454028.8), dbSNP rs2128555980, ClinGen allele CA2573140653.

ClinVar aggregate classification (germline): Pathogenic (1 of 4 stars; one submission).

Conditions:
Progressive myoclonic epilepsy. Also called: Familial progressive myoclonic epilepsy; Myoclonic Epilepsies, Progressive; Myoclonus epilepsy; Progressive myoclonus epilepsy. Identifiers: Orphanet 308, Orphanet 98261, MedGen C0751778, MONDO:0020074.

Submission:

Labcorp Genetics (formerly Invitae), Labcorp
Classification: Pathogenic for Progressive myoclonic epilepsy. Last evaluated: 2023-08-30. Review status: criteria provided, single submitter. Criteria: Invitae Variant Classification Sherloc (09022015). Collection method: clinical testing. Allele origin: germline.
Comment: This variant is not present in population databases (gnomAD no frequency). This sequence change creates a premature translational stop signal (p.Arg312Profs*19) in the EPM2A gene. While this is not anticipated to result in nonsense mediated decay, it is expected to disrupt the last 20 amino acid(s) of the EPM2A protein. For these reasons, this variant has been classified as Pathogenic. This variant disrupts a region of the EPM2A protein in which other variant(s) (p.Gln319Profs*12) have been determined to be pathogenic (PMID: 14722920). This suggests that this is a clinically significant region of the protein, and that variants that disrupt it are likely to be disease-causing. ClinVar contains an entry for this variant (Variation ID: 1454028). This variant has not been reported in the literature in individuals affected with EPM2A-related conditions.

Literature cited by the submitters: PubMed 14722920.